The following is an entry in ClinVar:

NM_002692.4(POLE2):c.191G>A (p.Arg64Gln)

Gene: POLE2 (DNA polymerase epsilon 2, accessory subunit; minus strand). Cytogenetic location: 14q21.3.
Variant type: single nucleotide variant.
Coding change: c.191G>A on transcript NM_002692.4 (MANE Select); coding-DNA position 191, G replaced by A.
Protein change: p.Arg64Gln; replaces arginine 64 with glutamine.
Molecular consequence: missense variant. On other transcripts: 5 prime UTR variant (1).
Genome position (GRCh38, 1-based): chr14:49,679,779, C>T on the plus strand (G>A on the coding strand, the complement: POLE2 is on the minus strand). VCF-style: chr14-49679779-C-T. GRCh37 (hg19) VCF-style: chr14-50146497-C-T.
Other names: c.191G>A (NM_002692.3); c.191G>A, p.Arg64Gln (NM_001197330.2, NM_001197331.3, NM_001348384.2); c.-45G>A (NM_001348385.2); short protein forms R64Q.
Identifiers: ClinVar variation 1405973 (VCV001405973.11), dbSNP rs537941310, ClinGen allele CA7173712.

ClinVar aggregate classification (germline): Uncertain significance. Review status: criteria provided, multiple submitters, no conflicts (2 of 4 stars). 2 submissions from 2 submitters: Uncertain significance (2). Last evaluated 2025-12-09.

Allele frequency attached by ClinVar (database versions not stated): gnomAD 0.00001 and 0.00002; ExAC 0.00002; TOPMed 0.00004; gnomAD exomes 0.00006; 1000 Genomes Project 30x 0.00016; 1000 Genomes Project 0.00020.
gnomAD v4.1: 27 of 1,600,778 alleles (0.0017%); highest among the groups gnomAD compares: Admixed American, 0.025%; 1 homozygote.

Submissions (2):

Labcorp Genetics (formerly Invitae), Labcorp
Classification: Uncertain significance. Last evaluated: 2025-12-09. Review status: criteria provided, single submitter. Criteria: Invitae Variant Classification Sherloc (09022015). Collection method: clinical testing. Allele origin: germline.
Comment: This sequence change replaces arginine, which is basic and polar, with glutamine, which is neutral and polar, at codon 64 of the POLE2 protein (p.Arg64Gln). This variant is present in population databases (rs537941310, gnomAD 0.04%). This variant has not been reported in the literature in individuals affected with POLE2-related conditions. ClinVar contains an entry for this variant (Variation ID: 1405973). An algorithm developed to predict the effect of missense changes on protein structure and function (PolyPhen-2) suggests that this variant is likely to be tolerated. In summary, the available evidence is currently insufficient to determine the role of this variant in disease. Therefore, it has been classified as a Variant of Uncertain Significance.

Ambry Genetics
Classification: Uncertain significance. Last evaluated: 2025-09-05. Review status: criteria provided, single submitter. Criteria: Ambry Variant Classification Scheme 2023. Collection method: clinical testing. Allele origin: germline.